The following is an entry in ClinVar:

NM_138615.3(DHX30):c.3256G>A (p.Val1086Ile)

Gene: DHX30 (DExH-box helicase 30; plus strand). Cytogenetic location: 3p21.31.
Variant type: single nucleotide variant.
Coding change: c.3256G>A on transcript NM_138615.3 (MANE Select); coding-DNA position 3256, G replaced by A.
Protein change: p.Val1086Ile; replaces valine 1086 with isoleucine.
Molecular consequence: missense variant.
Genome position (GRCh38, 1-based): chr3:47,849,694, G>A. VCF-style: chr3-47849694-G-A. GRCh37 (hg19) VCF-style: chr3-47891184-G-A.
Other names: c.3172G>A, p.Val1058Ile (NM_001330990.2); c.3139G>A, p.Val1047Ile (NM_014966.4); short protein forms V1047I, V1058I, V1086I.
Identifiers: ClinVar variation 966418 (VCV000966418.5), dbSNP rs2037966656, ClinGen allele CA352594852.

ClinVar aggregate classification (germline): Uncertain significance. Review status: criteria provided, multiple submitters, no conflicts (2 of 4 stars). 2 submissions from 2 submitters: Uncertain significance (2). Last evaluated 2026-04-09.

Conditions:
Inborn genetic diseases. Identifiers: MedGen C0950123, MeSH D030342.

Allele frequency attached by ClinVar (database versions not stated): gnomAD exomes 0.00001; gnomAD 0.00001.
gnomAD v4.1: 10 of 1,614,064 alleles (0.00062%); highest among the groups gnomAD compares: African/African-American, 0.0027%; no homozygotes.

Submissions (2):

Ambry Genetics
Classification: Uncertain significance for Inborn genetic diseases. Last evaluated: 2026-04-09. Review status: criteria provided, single submitter. Criteria: Ambry Variant Classification Scheme 2023. Collection method: clinical testing. Allele origin: germline.

Labcorp Genetics (formerly Invitae), Labcorp
Classification: Uncertain significance. Last evaluated: 2022-07-25. Review status: criteria provided, single submitter. Criteria: Invitae Variant Classification Sherloc (09022015). Collection method: clinical testing. Allele origin: germline.
Comment: This sequence change replaces valine, which is neutral and non-polar, with isoleucine, which is neutral and non-polar, at codon 1086 of the DHX30 protein (p.Val1086Ile). This variant is not present in population databases (gnomAD no frequency). This variant has not been reported in the literature in individuals affected with DHX30-related conditions. ClinVar contains an entry for this variant (Variation ID: 966418). Algorithms developed to predict the effect of missense changes on protein structure and function are either unavailable or do not agree on the potential impact of this missense change (SIFT: "Deleterious"; PolyPhen-2: "Benign"; Align-GVGD: "Class C0"). In summary, the available evidence is currently insufficient to determine the role of this variant in disease. Therefore, it has been classified as a Variant of Uncertain Significance.